The following is an entry in ClinVar:

NM_007294.4(BRCA1):c.744C>G (p.Thr248=)

Gene: BRCA1 (BRCA1 DNA repair associated; minus strand). Cytogenetic location: 17q21.31.
Variant type: single nucleotide variant.
Coding change: c.744C>G on transcript NM_007294.4 (MANE Select); coding-DNA position 744, C replaced by G.
Protein change: p.Thr248=; no amino-acid change (threonine 248 retained).
Molecular consequence: synonymous variant. On other transcripts: 5 prime UTR variant (2), intron variant (13).
Genome position (GRCh38, 1-based): chr17:43,094,787, G>C on the plus strand (C>G on the coding strand, the complement: BRCA1 is on the minus strand). VCF-style: chr17-43094787-G-C. GRCh37 (hg19) VCF-style: chr17-41246804-G-C.
Other names: c.531C>G, p.Thr177= (NM_001407571.1, NM_001407853.1, NM_001407894.1 and 12 more transcripts); c.744C>G, p.Thr248= (NM_001407581.1, NM_001407582.1, NM_001407583.1 and 54 more transcripts); c.741C>G, p.Thr247= (NM_001407587.1, NM_001407590.1, NM_001407591.1 and 38 more transcripts); c.735C>G, p.Thr245= (NM_001407646.1, NM_001407647.1, NM_001408408.1); c.621C>G, p.Thr207= (NM_001407648.1, NM_001407664.1, NM_001407665.1 and 34 more transcripts); c.618C>G, p.Thr206= (NM_001407649.1, NM_001407670.1, NM_001407671.1 and 20 more transcripts); c.666C>G, p.Thr222= (NM_001407653.1, NM_001407654.1, NM_001407655.1 and 9 more transcripts); c.663C>G, p.Thr221= (NM_001407659.1, NM_001407660.1, NM_001407661.1 and 3 more transcripts); and 20 more.
Identifiers: ClinVar variation 224432 (VCV000224432.4), dbSNP rs886037791, ClinGen allele CA10575952.
Genomic context (GRCh38, chr17:43,094,787, plus strand): 5'-GTTTGAAACAGAACTACCCTGATACTTTTCTGGATGCCTCTCAGCTGCACGCTTCTCAGT[G>C]GTGTTCAAATCATTATTACTGGGTTGATGATGTTCAGTATTTGTTACATCCGTCTCAGAA-3'
Protein context (NP_009225.1, residues 238-258): HHQPSNNDLN[Thr248=]TEKRAAERHP

ClinVar aggregate classification (germline): Likely benign. Review status: reviewed by expert panel (3 of 4 stars). 2 submissions from 2 submitters: Likely benign (1). 1 of the submissions does not count toward it. Last evaluated 2017-06-29.

Conditions:
Breast-ovarian cancer, familial, susceptibility to, 1 (BROVCA1). Also called: BRCA1 Hereditary Breast and Ovarian Cancer; OVARIAN CANCER, SUSCEPTIBILITY TO. Identifiers: Orphanet 145, MedGen C2676676, MONDO:0011450, OMIM 604370. Disease mechanism: loss of function.
Breast neoplasm. Also called: Breast Neoplasms; Neoplasm of the breast; Neoplasm of breast; Breast tumor. Identifiers: MedGen C1458155, MeSH D001943, MONDO:0021100, HP:0100013. Disease mechanism: gain of function.

Submissions (2):

Evidence-based Network for the Interpretation of Germline Mutant Alleles (ENIGMA)
Classification: Likely benign for Breast-ovarian cancer, familial, susceptibility to, 1. Last evaluated: 2017-06-29. Review status: reviewed by expert panel. Criteria: ENIGMA BRCA1/2 Classification Criteria (2017-06-29). Collection method: curation. Allele origin: germline.
Comment: Synonymous substitution variant, with low bioinformatic likelihood to result in a splicing aberration (Splicing prior probability 0.02).

Laboratory of Molecular Diagnosis of Cancer, West China Hospital, Sichuan University
Classification: Uncertain significance for Breast neoplasm. Last evaluated: 2015-11-01. Review status: criteria provided, single submitter. Criteria: ACMG Guidelines, 2015. Collection method: research. Allele origin: germline. Affected: yes. Observed: 1 variant allele. Not counted in ClinVar's aggregate classification.

Literature cited by the submitters: PubMed 27257965 (cited by Laboratory of Molecular Diagnosis of Cancer, West China Hospital, Sichuan University).